The following is an entry in ClinVar:

NM_006070.6(TFG):c.415+89G>A

Gene: TFG (trafficking from ER to golgi regulator; plus strand). Cytogenetic location: 3q12.2.
Variant type: single nucleotide variant.
Coding change: c.415+89G>A on transcript NM_006070.6 (MANE Select); 89 bases into the intron after coding-DNA position 415, G replaced by A.
Molecular consequence: intron variant.
Genome position (GRCh38, 1-based): chr3:100,728,947, G>A. VCF-style: chr3-100728947-G-A. GRCh37 (hg19) VCF-style: chr3-100447791-G-A.
Other names: c.415+89G>A (NM_001007565.2, NM_001195479.2, NM_001195478.2).
Identifiers: ClinVar variation 675705 (VCV000675705.2), dbSNP rs114195574, ClinGen allele CA79700133.

ClinVar aggregate classification (germline): Likely benign. Review status: criteria provided, multiple submitters, no conflicts (2 of 4 stars). 2 submissions from 2 submitters: Likely benign (2). Last evaluated 2018-06-19.

Allele frequency attached by ClinVar (database versions not stated): 1000 Genomes Project 0.00719; 1000 Genomes Project 30x 0.00734; gnomAD 0.01582 and 0.01625; TOPMed 0.01710; gnomAD exomes 0.02188.
gnomAD v4.1: 24,789 of 1,178,218 alleles (2.1%); highest among the groups gnomAD compares: Middle Eastern, 2.6%; 315 homozygotes.

Submissions (2):

GeneDx
Classification: Likely benign. Last evaluated: 2018-06-19. Review status: criteria provided, single submitter. Criteria: GeneDx Variant Classification (06012015). Collection method: clinical testing. Allele origin: germline. Affected: yes.
Comment: This variant is considered likely benign or benign based on one or more of the following criteria: it is a conservative change, it occurs at a poorly conserved position in the protein, it is predicted to be benign by multiple in silico algorithms, and/or has population frequency not consistent with disease.

Breakthrough Genomics
Classification: Likely benign. Review status: criteria provided, single submitter. Criteria: ACMG Guidelines, 2015. Collection method: not provided. Allele origin: germline. Inheritance: Autosomal recessive inheritance. Affected: yes.